The following is an entry in ClinVar:

NM_017999.5(RNF31):c.415G>A (p.Glu139Lys)

Gene: RNF31 (ring finger protein 31; plus strand). Cytogenetic location: 14q12.
Variant type: single nucleotide variant.
Coding change: c.415G>A on transcript NM_017999.5 (MANE Select); coding-DNA position 415, G replaced by A.
Protein change: p.Glu139Lys; replaces glutamic acid 139 with lysine.
Molecular consequence: missense variant. On other transcripts: 5 prime UTR variant (1).
Genome position (GRCh38, 1-based): chr14:24,148,333, G>A. VCF-style: chr14-24148333-G-A. GRCh37 (hg19) VCF-style: chr14-24617542-G-A.
Other names: p.Glu139Lys; c.415G>A (NM_017999.4); c.-103G>A (NM_001310332.2); short protein forms E139K.
Identifiers: ClinVar variation 1169281 (VCV001169281.44), dbSNP rs45466595, ClinGen allele CA7125452.

ClinVar aggregate classification (germline): Conflicting classifications of pathogenicity. Review status: criteria provided, conflicting classifications (1 of 4 stars). 9 submissions from 9 submitters: Uncertain significance (1); Benign (3); Likely benign (2). 3 of the submissions do not count toward it. Last evaluated 2026-02-02.

Conditions:
RNF31-related disorder. Also called: RNF31-related condition.

Allele frequency attached by ClinVar (database versions not stated): 1000 Genomes Project 0.00060; 1000 Genomes Project 30x 0.00062; TOPMed 0.00315; gnomAD exomes 0.00385 and 0.00516; ESP Exome Variant Server 0.00411; ExAC 0.00428; gnomAD 0.00372 and 0.00376.
gnomAD v4.1: 8,064 of 1,614,214 alleles (0.5%); highest among the groups gnomAD compares: Non-Finnish European, 0.6%; 26 homozygotes.

Submissions (9):

Labcorp Genetics (formerly Invitae), Labcorp
Classification: Benign. Last evaluated: 2026-02-02. Review status: criteria provided, single submitter. Criteria: Invitae Variant Classification Sherloc (09022015). Collection method: clinical testing. Allele origin: germline.

Blueprint Genetics
Classification: Likely benign. Last evaluated: 2024-11-27. Review status: criteria provided, single submitter. Criteria: ACMG Guidelines, 2015. Collection method: clinical testing. Allele origin: germline.

Mayo Clinic Laboratories, Mayo Clinic
Classification: Benign. Last evaluated: 2024-11-11. Review status: criteria provided, single submitter. Criteria: ACMG Guidelines, 2015. Collection method: clinical testing. Allele origin: germline. Observed: 3 variant alleles.
Comment: BS1, BS2, BP4

CeGaT Center for Human Genetics Tuebingen
Classification: Likely benign. Last evaluated: 2022-12-01. Review status: criteria provided, single submitter. Criteria: CeGaT Center For Human Genetics Tuebingen Variant Classification Criteria Version 2. Collection method: clinical testing. Allele origin: germline. Affected: yes. Observed: 7 variant alleles.
Comment: RNF31: BP4, BS2

Center for Genomics, Ann and Robert H. Lurie Children's Hospital of Chicago
Classification: Uncertain significance. Last evaluated: 2022-07-12. Review status: criteria provided, single submitter. Criteria: ACMG Guidelines, 2015. Collection method: clinical testing. Allele origin: germline.
Comment: This variant has not been reported in the literature but is present in the Genome Aggregation Database (Highest reported MAF 0.5% (402/68050). This variant is present in ClinVar (Variation ID:1169281). This variant amino acid Lysine (Lys) is present in several species including multiple mammals and is not well conserved among evolutionarily distant species; this suggests that this variant may not impact the protein. Additional computational prediction tools do not suggest an impact. In summary, data on this variant is insufficient for disease classification. Therefore, the clinical significance of this variant is uncertain.

Breakthrough Genomics
Classification: Benign. Review status: criteria provided, single submitter. Criteria: ACMG Guidelines, 2015. Collection method: not provided. Allele origin: germline. Inheritance: Unknown mechanism. Affected: yes.

PreventionGenetics, part of Exact Sciences
Classification: Likely benign for RNF31-related condition. Last evaluated: 2020-05-22. Review status: no assertion criteria provided. Collection method: clinical testing. Allele origin: germline. Not counted in ClinVar's aggregate classification.
Comment: This variant is classified as likely benign based on ACMG/AMP sequence variant interpretation guidelines (Richards et al. 2015 PMID: 25741868, with internal and published modifications).

Clinical Genetics DNA and cytogenetics Diagnostics Lab, Erasmus MC, Erasmus Medical Center
Classification: Likely benign. Review status: no assertion criteria provided. Collection method: clinical testing. Allele origin: germline. Affected: yes. Study: VKGL Data-share Consensus. Not counted in ClinVar's aggregate classification.

Genome Diagnostics Laboratory, University Medical Center Utrecht
Classification: Likely benign. Review status: no assertion criteria provided. Collection method: clinical testing. Allele origin: germline. Affected: yes. Study: VKGL Data-share Consensus. Not counted in ClinVar's aggregate classification.